The following is an entry in ClinVar:

ClinVar aggregate classification (germline): Uncertain significance. Review status: criteria provided, multiple submitters, no conflicts (2 of 4 stars). 3 submissions from 3 submitters: Uncertain significance (3). Last evaluated 2025-06-01.

Conditions:
Ataxia-telangiectasia syndrome (AT). Also called: ATAXIA-TELANGIECTASIA, COMPLEMENTATION GROUP A; ATAXIA-TELANGIECTASIA, FRESNO VARIANT; Ataxia-telangiectasia; Ataxia-telangiectasia, complementation group E; LOUIS-BAR SYNDROME; Cerebello-oculocutaneous telangiectasia. Identifiers: Orphanet 100, MedGen C0004135, MONDO:0008840, OMIM 208900.
Hereditary cancer-predisposing syndrome. Also called: Tumor predisposition; Hereditary Cancer Syndrome; Hereditary neoplastic syndrome; Neoplastic Syndromes, Hereditary. Identifiers: Orphanet 140162, MedGen C0027672, MeSH D009386, MONDO:0015356.

Submissions (3):

GeneDx
Classification: Uncertain significance. Last evaluated: 2025-06-01. Review status: criteria provided, single submitter. Criteria: GeneDx Variant Classification Process June 2021. Collection method: clinical testing. Allele origin: germline. Affected: yes.
Comment: Not observed at significant frequency in large population cohorts (gnomAD); In silico analysis supports that this missense variant has a deleterious effect on protein structure/function; Has not been previously published as pathogenic or benign to our knowledge; This variant is associated with the following publications: (PMID: 15279808, 23532176)

Ambry Genetics
Classification: Uncertain significance for Hereditary cancer-predisposing syndrome. Last evaluated: 2023-08-11. Review status: criteria provided, single submitter. Criteria: Ambry Variant Classification Scheme 2023. Collection method: clinical testing. Allele origin: germline.
Comment: The p.R2719P variant (also known as c.8156G>C), located in coding exon 55 of the ATM gene, results from a G to C substitution at nucleotide position 8156. The arginine at codon 2719 is replaced by proline, an amino acid with dissimilar properties. This amino acid position is well conserved in available vertebrate species. In addition, this alteration is predicted to be deleterious by in silico analysis. Since supporting evidence is limited at this time, the clinical significance of this alteration remains unclear.

Labcorp Genetics (formerly Invitae), Labcorp
Classification: Uncertain significance for Ataxia-telangiectasia syndrome. Last evaluated: 2022-04-01. Review status: criteria provided, single submitter. Criteria: Invitae Variant Classification Sherloc (09022015). Collection method: clinical testing. Allele origin: germline.
Comment: This sequence change replaces arginine, which is basic and polar, with proline, which is neutral and non-polar, at codon 2719 of the ATM protein (p.Arg2719Pro). This variant is not present in population databases (gnomAD no frequency). This variant has not been reported in the literature in individuals affected with ATM-related conditions. Advanced modeling of protein sequence and biophysical properties (such as structural, functional, and spatial information, amino acid conservation, physicochemical variation, residue mobility, and thermodynamic stability) performed at Invitae indicates that this missense variant is expected to disrupt ATM protein function. In summary, the available evidence is currently insufficient to determine the role of this variant in disease. Therefore, it has been classified as a Variant of Uncertain Significance.

NM_000051.4(ATM):c.8156G>C (p.Arg2719Pro)

Genes: ATM (ATM serine/threonine kinase; plus strand), C11orf65 (chromosome 11 open reading frame 65; minus strand). Cytogenetic location: 11q22.3.
Variant type: single nucleotide variant.
Coding change: c.8156G>C on transcript NM_000051.4 (MANE Select); coding-DNA position 8156, G replaced by C.
Protein change: p.Arg2719Pro; replaces arginine 2719 with proline.
Molecular consequence: missense variant. On other transcripts: intron variant (2).
Genome position (GRCh38, 1-based): chr11:108,335,849, G>C. VCF-style: chr11-108335849-G-C. GRCh37 (hg19) VCF-style: chr11-108206576-G-C.
Other names: c.8156G>C, p.Arg2719Pro (NM_001351834.2); c.641-26778C>G (NM_001330368.2); c.695-557C>G (NM_001351110.2); short protein forms R2719P.
Identifiers: ClinVar variation 2120190 (VCV002120190.5), dbSNP rs55982963, ClinGen allele CA382562340.
Genomic context (GRCh38, chr11:108,335,849, plus strand): 5'-GTGTTTTTATAATAAAATAAACTGTACTTGTTTATTCATGCTTAATTATTCTGAAGGGCC[G>C]TGATGACCTGAGACAAGATGCTGTCATGCAACAGGTCTTCCAGATGTGTAATACATTACT-3'
Protein context (NP_000042.3, residues 2709-2729): GKERRQLVKG[Arg2719Pro]DDLRQDAVMQ